The following continues an entry in ClinVar:

NM_000341.4(SLC3A1):c.808C>T (p.Arg270Ter)

Gene: SLC3A1. ClinVar aggregate classification (germline): Pathogenic. Pathogenic (13).

Submissions 15 to 17 of 17:

Reproductive Health Research and Development, BGI Genomics
Classification: Pathogenic for Cystinuria. Last evaluated: 2020-01-06. Review status: no assertion criteria provided. Collection method: curation. Allele origin: germline. Not counted in ClinVar's aggregate classification.
Comment: NM_000341.3:c.808C>T in the SLC3A1 gene has an allele frequency of 0.009 in Ashkenazi Jewish subpopulation in the gnomAD database. This variant is predicted to cause loss of normal protein function either through protein truncation or nonsense-mediated mRNA decay. Botzenhart E et al. identified this variant in two patients with cystinuria, including one in homozygous state amd one in compound heterozygous state (R270X/M467T) (PMID: 12234283 ). Gitomer WL et al. found this mutation in 3 patients in homozygous status, two were siblings (PMID: 9768685). Taken together, we interprete this variant as Pathogenic/Likely pathogenic. ACMG/AMP Criteria applied: PVS1, PM3_Strong, PP4.

Clinical Genetics DNA and cytogenetics Diagnostics Lab, Erasmus MC, Erasmus Medical Center
Classification: Pathogenic. Review status: no assertion criteria provided. Collection method: clinical testing. Allele origin: germline. Affected: yes. Study: VKGL Data-share Consensus. Not counted in ClinVar's aggregate classification.

Joint Genome Diagnostic Labs from Nijmegen and Maastricht, Radboudumc and MUMC+
Classification: Pathogenic. Review status: no assertion criteria provided. Collection method: clinical testing. Allele origin: germline. Affected: yes. Study: VKGL Data-share Consensus. Not counted in ClinVar's aggregate classification.

Literature cited by the submitters: PubMed 7539209 (cited by 4 submitters); PubMed 25525159 (cited by Rare Kidney Stone Consortium and the Mayo Clinic Hyperoxaluria Center, Mayo Clinic and Mayo Clinic Laboratories, Mayo Clinic); PubMed 31589614 (cited by Rare Kidney Stone Consortium and the Mayo Clinic Hyperoxaluria Center, Mayo Clinic and Mayo Clinic Laboratories, Mayo Clinic); PubMed 30476936 (cited by Rare Kidney Stone Consortium and the Mayo Clinic Hyperoxaluria Center, Mayo Clinic and Mayo Clinic Laboratories, Mayo Clinic); PubMed 34426522 (cited by Rare Kidney Stone Consortium and the Mayo Clinic Hyperoxaluria Center, Mayo Clinic); PubMed 38287090 (cited by Rare Kidney Stone Consortium and the Mayo Clinic Hyperoxaluria Center, Mayo Clinic); PubMed 39096151 (cited by Rare Kidney Stone Consortium and the Mayo Clinic Hyperoxaluria Center, Mayo Clinic); PubMed 40794449 (cited by Rare Kidney Stone Consortium and the Mayo Clinic Hyperoxaluria Center, Mayo Clinic); PubMed 16225397 (cited by Mayo Clinic Laboratories, Mayo Clinic and Illumina Laboratory Services, Illumina); PubMed 28646536 (cited by Mayo Clinic Laboratories, Mayo Clinic and Labcorp Genetics (formerly Invitae), Labcorp); PubMed 9768685 (cited by Mayo Clinic Laboratories, Mayo Clinic and Illumina Laboratory Services, Illumina); PubMed 24610330 (cited by Labcorp Genetics (formerly Invitae), Labcorp); PubMed 25109415 (cited by Labcorp Genetics (formerly Invitae), Labcorp); PubMed 25964309 (cited by Labcorp Genetics (formerly Invitae), Labcorp and Victorian Clinical Genetics Services, Murdoch Childrens Research Institute); PubMed 15635077 (cited by Victorian Clinical Genetics Services, Murdoch Childrens Research Institute); PubMed 22480232 (cited by Victorian Clinical Genetics Services, Murdoch Childrens Research Institute); PubMed 9186880 (cited by Illumina Laboratory Services, Illumina); PubMed 18704508 (cited by Illumina Laboratory Services, Illumina); PubMed 12234283 (cited by Illumina Laboratory Services, Illumina).